The following is an entry in ClinVar:

NM_014324.6(AMACR):c.864C>T (p.Asp288=)

Genes: AMACR (alpha-methylacyl-CoA racemase; minus strand), C1QTNF3-AMACR (C1QTNF3-AMACR readthrough (NMD candidate); minus strand). Cytogenetic location: 5p13.2.
Variant type: single nucleotide variant.
Coding change: c.864C>T on transcript NM_014324.6 (MANE Select); coding-DNA position 864, C replaced by T.
Protein change: p.Asp288=; no amino-acid change (aspartic acid 288 retained).
Molecular consequence: synonymous variant. On other transcripts: non-coding transcript variant (1), 3 prime UTR variant (1).
Genome position (GRCh38, 1-based): chr5:33,989,378, G>A on the plus strand (C>T on the coding strand, the complement: AMACR is on the minus strand). VCF-style: chr5-33989378-G-A. GRCh37 (hg19) VCF-style: chr5-33989483-G-A.
Other names: c.864C>T, p.Asp288= (NM_001167595.2); c.*106C>T (NM_203382.3); c.864C>T (NM_014324.5).
Identifiers: ClinVar variation 1630505 (VCV001630505.10), dbSNP rs752187529, ClinGen allele CA3226006.
Genomic context (GRCh38, chr5:33,989,378, plus strand): 5'-GTGATCATGATGAACAACCTCCTCAAAAGTCAGAACCGGAGTCACACAGGCATCTGTGCC[G>A]TCAAAGATTTGACACCACTCTGCCTTCGTCTTCTCTGCAAATACATCTGCAAACTTCTTC-3'
Protein context (NP_055139.4, residues 278-298): KTKAEWCQIF[Asp288=]GTDACVTPVL

ClinVar aggregate classification (germline): Likely benign. Review status: criteria provided, multiple submitters, no conflicts (2 of 4 stars). 3 submissions from 3 submitters: Likely benign (3). Last evaluated 2026-07-21.

Conditions:
Alpha-methylacyl-CoA racemase deficiency (AMACRD). Also called: AMACR deficiency. Identifiers: Orphanet 79095, MedGen C3280428, MONDO:0013681, OMIM 614307. Disease mechanism: loss of function.
AMACR-related disorder. Also called: AMACR-related condition; AMACR-Related Disorders.

Allele frequency attached by ClinVar (database versions not stated): gnomAD 0.00001; ExAC 0.00002; gnomAD exomes 0.00002 and 0.00006.

Submissions (3):

PreventionGenetics, part of Exact Sciences
Classification: Likely benign for AMACR-related condition. Last evaluated: 2026-07-21. Review status: criteria provided, single submitter. Criteria: ACMG Guidelines, 2015. Collection method: clinical testing. Allele origin: germline.
Comment: This variant is classified as likely benign based on ACMG/AMP sequence variant interpretation guidelines (Richards et al. 2015 PMID: 25741868, with internal and published modifications).

Labcorp Genetics (formerly Invitae), Labcorp
Classification: Likely benign for Alpha-methylacyl-CoA racemase deficiency. Last evaluated: 2025-06-10. Review status: criteria provided, single submitter. Criteria: Invitae Variant Classification Sherloc (09022015). Collection method: clinical testing. Allele origin: germline.

Blueprint Genetics
Classification: Likely benign. Last evaluated: 2024-06-17. Review status: criteria provided, single submitter. Criteria: ACMG Guidelines, 2015. Collection method: clinical testing. Allele origin: germline.